The following is an entry in ClinVar:

ClinVar aggregate classification (germline): Pathogenic. Review status: criteria provided, single submitter (1 of 4 stars). 3 submissions from 3 submitters: Pathogenic (1). 2 of the submissions do not count toward it. Last evaluated 2024-10-29.

Conditions:
Autosomal dominant epilepsy with auditory features. Identifiers: Orphanet 101046, MedGen C1838062, MONDO:0010898.
Epilepsy, familial temporal lobe, 1. Identifiers: Orphanet 101046, MedGen CN030884, MONDO:0700090, OMIM 600512.

Allele frequency attached by ClinVar (database versions not stated): TOPMed below 0.00001.

Submissions (3):

Labcorp Genetics (formerly Invitae), Labcorp
Classification: Pathogenic for Autosomal dominant epilepsy with auditory features. Last evaluated: 2024-10-29. Review status: criteria provided, single submitter. Criteria: Invitae Variant Classification Sherloc (09022015). Collection method: clinical testing. Allele origin: germline.
Comment: This sequence change creates a premature translational stop signal (p.Arg474*) in the LGI1 gene. While this is not anticipated to result in nonsense mediated decay, it is expected to disrupt the last 84 amino acid(s) of the LGI1 protein. This variant is not present in population databases (gnomAD no frequency). This premature translational stop signal has been observed in individual(s) with clinical features of LGI1-related conditions (PMID: 11978770, 15349881). In at least one individual the variant was observed to be de novo. It has also been observed to segregate with disease in related individuals. This variant is also known as C1320T. ClinVar contains an entry for this variant (Variation ID: 208478). Algorithms developed to predict the effect of variants on gene product structure and function are not available or were not evaluated for this variant. Experimental studies have shown that this premature translational stop signal affects LGI1 function (PMID: 17067999). For these reasons, this variant has been classified as Pathogenic.

OMIM
Classification: Pathogenic for EPILEPSY, FAMILIAL TEMPORAL LOBE, 1. Last evaluated: 2004-09-01. Review status: no assertion criteria provided. Collection method: literature only. Allele origin: germline. Not counted in ClinVar's aggregate classification.

GeneReviews
No classification provided. Condition: Epilepsy, familial temporal lobe, 1. Review status: no classification provided. Collection method: literature only. Allele origin: germline. Affected: yes. Not counted in ClinVar's aggregate classification.

Literature cited by the submitters: PubMed 11978770 (cited by 3 submitters); PubMed 15349881 (cited by 3 submitters); PubMed 17067999 (cited by Labcorp Genetics (formerly Invitae), Labcorp); NCBI Bookshelf NBK1537 (cited by GeneReviews).

NM_005097.4(LGI1):c.1420C>T (p.Arg474Ter)

Gene: LGI1 (leucine rich glioma inactivated 1; plus strand). Cytogenetic location: 10q23.33.
Variant type: single nucleotide variant.
Coding change: c.1420C>T on transcript NM_005097.4 (MANE Select); coding-DNA position 1420, C replaced by T.
Protein change: p.Arg474Ter; replaces arginine 474 with a stop codon.
Molecular consequence: nonsense. On other transcripts: non-coding transcript variant (1), intron variant (1).
Genome position (GRCh38, 1-based): chr10:93,797,549, C>T. VCF-style: chr10-93797549-C-T. GRCh37 (hg19) VCF-style: chr10-95557306-C-T.
Other names: 1320C-T; c.1276C>T, p.Arg426Ter (NM_001308276.2); c.839-200C>T (NM_001308275.2); short protein forms R474*, R426*.
Identifiers: ClinVar variation 208478 (VCV000208478.7), dbSNP rs797044998, ClinGen allele CA347384.